The following is an entry in ClinVar:

ClinVar aggregate classification (germline): Conflicting classifications of pathogenicity. Review status: criteria provided, conflicting classifications (1 of 4 stars). 9 submissions from 8 submitters: Uncertain significance (7); Likely benign (2). Last evaluated 2026-02-11.

Conditions:
WT1-related disorder. Also called: WT1-related disorders. Identifiers: MedGen CN377814.
Hereditary cancer-predisposing syndrome. Also called: Neoplastic Syndromes, Hereditary; Tumor predisposition; Hereditary Cancer Syndrome; Hereditary neoplastic syndrome. Identifiers: Orphanet 140162, MedGen C0027672, MeSH D009386, MONDO:0015356.
11p partial monosomy syndrome (WAGR). Also called: WAGR Spectrum Disorder; WAGR Complex; CHROMOSOME 11p13 DELETION SYNDROME; WAGR syndrome. Identifiers: Orphanet 893, MedGen C0206115, MONDO:0008681, OMIM 194072.
Wilms tumor 1 (WT1). Also called: Wilms tumor, somatic. Identifiers: Orphanet 654, MedGen CN033288, MONDO:0008679, OMIM 194070.
Frasier syndrome. Identifiers: Orphanet 347, MedGen C0950122, MeSH D052159, MONDO:0007635, OMIM 136680.
Drash syndrome (DDS). Also called: NEPHROPATHY, WILMS TUMOR, AND GENITAL ANOMALIES; WILMS TUMOR AND PSEUDO- OR TRUE HERMAPHRODITISM. Identifiers: Orphanet 220, MedGen C0950121, MONDO:0008682, OMIM 194080.
Inborn genetic diseases. Identifiers: MedGen C0950123, MeSH D030342.
Nephroblastoma. Also called: Wilms' tumor; Wilms tumor. Identifiers: Orphanet 654, MedGen C0027708, MeSH D009396, MONDO:0006058, HP:0002667.
Meacham syndrome. Also called: Meacham Winn Culler syndrome. Identifiers: Orphanet 3097, MedGen C1837026, MONDO:0012164, OMIM 608978.
Nephrotic syndrome, type 4 (NPHS4). Also called: Familial mesangial sclerosis; Nephrotic syndrome, early onset with diffuse mesangial sclerosis. Identifiers: Orphanet 656, MedGen C3151568, MONDO:0009733, OMIM 256370.
Mesothelioma, malignant (MESOM). Also called: Malignant mesothelioma (disease). Identifiers: Orphanet 50251, MedGen C0345967, MONDO:0006292, OMIM 156240, HP:0100001.

Submissions (9):

St. Jude Molecular Pathology, St. Jude Children's Research Hospital
Classification: Uncertain significance for Wilms tumor 1. Last evaluated: 2026-02-11. Review status: criteria provided, single submitter. Criteria: St. Jude Assertion Criteria 2020. Collection method: clinical testing. Allele origin: germline.
Comment: The WT1 c.420_422dup p.(Pro141dup) change duplicates three nucleotides at position 420-422 resulting in an in-frame duplication of one amino acid residue. This variant has a maximum subpopulation frequency of 0.01% in gnomAD v2.1.1. To our knowledge, this variant has not been reported in individuals with WT1-related conditions. In summary, the evidence currently available is insufficient to determine the clinical significance of this variant. It has therefore been classified as of uncertain significance.

Labcorp Genetics (formerly Invitae), Labcorp
Classification: Likely benign for Wilms tumor 1; Drash syndrome; 11p partial monosomy syndrome; Frasier syndrome. Last evaluated: 2025-11-05. Review status: criteria provided, single submitter. Criteria: Invitae Variant Classification Sherloc (09022015). Collection method: clinical testing. Allele origin: germline.

PreventionGenetics, part of Exact Sciences
Classification: Uncertain significance for WT1-related condition. Last evaluated: 2025-05-08. Review status: criteria provided, single submitter. Criteria: ACMG Guidelines, 2015. Collection method: clinical testing. Allele origin: germline.
Comment: The WT1 c.405_407dupGCC variant is predicted to result in an in-frame duplication (p.Pro136dup). To our knowledge, this variant has not been reported in individuals with WT1-related disorders. This variant is reported in 0.0099% of alleles in individuals of European (non-Finnish) descent in gnomAD and is classified as a variant of uncertain significance in ClinVar. At this time, the clinical significance of this variant is uncertain due to the absence of conclusive functional and genetic evidence.

Ambry Genetics
Classification: Likely benign for Inborn genetic diseases. Last evaluated: 2025-01-22. Review status: criteria provided, single submitter. Criteria: Ambry Variant Classification Scheme 2023. Collection method: clinical testing. Allele origin: germline.

GeneDx
Classification: Uncertain significance. Last evaluated: 2025-01-06. Review status: criteria provided, single submitter. Criteria: GeneDx Variant Classification Process June 2021. Collection method: clinical testing. Allele origin: germline. Affected: yes.
Comment: In-frame duplication of 1 amino acid in a repeat region; Observed in an unaffected control individual and not in any cancer cases (PMID: 29641532); This variant is associated with the following publications: (PMID: 8486616, 29641532)

Fulgent Genetics
Classification: Uncertain significance for Frasier syndrome; Mesothelioma, malignant; Wilms tumor 1; Drash syndrome; Nephrotic syndrome, type 4; Meacham syndrome. Last evaluated: 2024-02-27. Review status: criteria provided, single submitter. Criteria: ACMG Guidelines, 2015. Collection method: clinical testing. Allele origin: germline.

Blueprint Genetics
Classification: Uncertain significance. Last evaluated: 2022-01-11. Review status: criteria provided, single submitter. Criteria: ACMG Guidelines, 2015. Collection method: clinical testing. Allele origin: germline.

Sema4
Classification: Uncertain significance for Hereditary cancer-predisposing syndrome. Last evaluated: 2021-12-07. Review status: criteria provided, single submitter. Criteria: Sema4 Curation Guidelines. Collection method: curation. Allele origin: germline.
Comment: The WT1 c.405_407dup (p.P136dup) variant has not been reported in the literature to our knowledge. It was observed in 10/101280 chromosomes of the European (non-Finnish) subpopulation, with no homozygotes, in the large and broad cohorts of the Genome Aggregation Database (PMID: 32461654) and has been reported in ClinVar (Variation ID 406690). The evidence is insufficient to meet ACMG/AMP criteria for classifying the variant as benign or pathogenic. Thus, the clinical significance of this variant is currently uncertain.

St. Jude Molecular Pathology, St. Jude Children's Research Hospital
Classification: Uncertain significance for Wilms Tumor. Last evaluated: 2016-04-27. Review status: criteria provided, single submitter. Criteria: ACMG Guidelines, 2015. Collection method: clinical testing. Allele origin: germline. Affected: yes.

Literature cited by the submitters: PubMed 34301788 (cited by Ambry Genetics).

NM_024426.6(WT1):c.411GCC[5] (p.Pro141dup)

Genes: WT1 (WT1 transcription factor; minus strand), LOC107982234 (WT1/WT1-AS bi-directional promoter region; plus strand). Cytogenetic location: 11p13.
Variant type: Microsatellite.
Coding change: c.411GCC[5] on transcript NM_024426.6 (MANE Select); five copies in a row of the 3-base unit GCC starting at c.411; the reference has four copies in a row; one copy, 3 bases duplicated; also written c.420_422dup.
Protein change: p.Pro141dup; duplicates proline 141.
Molecular consequence: inframe insertion. On other transcripts: non-coding transcript variant (1).
Genome position (GRCh38, 1-based): chr11:32,434,939-32,434,941, GGC duplicated on the plus strand (GCC on the coding strand, the reverse complement: WT1 is on the minus strand); duplicating any 3 consecutive bases within chr11:32,434,939-32,434,952 gives the same sequence; the position shown is the placement nearest the transcript's 3' end. VCF-style (leftmost placement, unchanged base first): chr11-32434938-A-AGGC. GRCh37 (hg19) VCF-style: chr11-32456484-A-AGGC.
Other names: c.405_407dupGCC (NM_024426.3, NM_024426.4); c.420_422dup (NM_000378.6, NM_024426.6); c.411GCC[5], p.Pro141dup (NM_000378.6, NM_024424.5).
Identifiers: ClinVar variation 406690 (VCV000406690.19), dbSNP rs760304811, ClinGen allele CA5934336.
Genomic context (GRCh38, chr11:32,434,938, plus strand): 5'-GCACTGCTCCTCGTGCGGCTCCGCGCCGCCCCAGCTCGGCTCCTGTTTGATGAAGGAGTG[A>AGGC]GGCGGCGGCGGCGGGGGTGGCGGCGGAGCCGGTGGCGGCGCGGGGCCGCCCAACGACCCG-3'